The following is an entry in ClinVar:

ClinVar aggregate classification (germline): Uncertain significance (1 of 4 stars; one submission).

Submission:

Labcorp Genetics (formerly Invitae), Labcorp
Classification: Uncertain significance. Last evaluated: 2021-12-22. Review status: criteria provided, single submitter. Criteria: Invitae Variant Classification Sherloc (09022015). Collection method: clinical testing. Allele origin: germline.
Comment: This variant has not been reported in the literature in individuals affected with COL9A3-related conditions. In summary, the available evidence is currently insufficient to determine the role of this variant in disease. Therefore, it has been classified as a Variant of Uncertain Significance. Algorithms developed to predict the effect of missense changes on protein structure and function are either unavailable or do not agree on the potential impact of this missense change (SIFT: "Deleterious"; PolyPhen-2: "Probably Damaging"; Align-GVGD: "Class C0"). This variant is not present in population databases (gnomAD no frequency). This sequence change replaces arginine, which is basic and polar, with threonine, which is neutral and polar, at codon 595 of the COL9A3 protein (p.Arg595Thr).

NM_001853.4(COL9A3):c.1784G>C (p.Arg595Thr)

Gene: COL9A3 (collagen type IX alpha 3 chain; plus strand). Cytogenetic location: 20q13.33.
Variant type: single nucleotide variant.
Coding change: c.1784G>C on transcript NM_001853.4 (MANE Select); coding-DNA position 1784, G replaced by C.
Protein change: p.Arg595Thr; replaces arginine 595 with threonine.
Molecular consequence: missense variant.
Genome position (GRCh38, 1-based): chr20:62,837,263, G>C. VCF-style: chr20-62837263-G-C. GRCh37 (hg19) VCF-style: chr20-61468615-G-C.
Other names: short protein forms R595T.
Identifiers: ClinVar variation 2053329 (VCV002053329.4), dbSNP rs2063644388, ClinGen allele CA409599740.